The following is an entry in ClinVar:

ClinVar aggregate classification (germline): Uncertain significance (1 of 4 stars; one submission).

Conditions:
Epileptic encephalopathy. Identifiers: MedGen C0543888, HP:0200134.

Submission:

Labcorp Genetics (formerly Invitae), Labcorp
Classification: Uncertain significance for Epileptic encephalopathy. Last evaluated: 2022-02-05. Review status: criteria provided, single submitter. Criteria: Invitae Variant Classification Sherloc (09022015). Collection method: clinical testing. Allele origin: germline.
Comment: This sequence change replaces glutamic acid, which is acidic and polar, with lysine, which is basic and polar, at codon 945 of the FASN protein (p.Glu945Lys). In summary, the available evidence is currently insufficient to determine the role of this variant in disease. Therefore, it has been classified as a Variant of Uncertain Significance. Algorithms developed to predict the effect of missense changes on protein structure and function are either unavailable or do not agree on the potential impact of this missense change (SIFT: "Deleterious"; PolyPhen-2: "Probably Damaging"; Align-GVGD: "Class C0"). ClinVar contains an entry for this variant (Variation ID: 573834). This variant has not been reported in the literature in individuals affected with FASN-related conditions. This variant is not present in population databases (gnomAD no frequency).

NM_004104.5(FASN):c.2833G>A (p.Glu945Lys)

Gene: FASN (fatty acid synthase; minus strand). Cytogenetic location: 17q25.3.
Variant type: single nucleotide variant.
Coding change: c.2833G>A on transcript NM_004104.5 (MANE Select); coding-DNA position 2833, G replaced by A.
Protein change: p.Glu945Lys; replaces glutamic acid 945 with lysine.
Molecular consequence: missense variant.
Genome position (GRCh38, 1-based): chr17:82,087,987, C>T on the plus strand (G>A on the coding strand, the complement: FASN is on the minus strand). VCF-style: chr17-82087987-C-T. GRCh37 (hg19) VCF-style: chr17-80045863-C-T.
Other names: short protein forms E945K.
Identifiers: ClinVar variation 573834 (VCV000573834.8), dbSNP rs1568112060, ClinGen allele CA401555669.